The following is an entry in ClinVar:

NM_014285.7(EXOSC2):c.65C>G (p.Thr22Ser)

Genes: EXOSC2 (exosome component 2; plus strand), LOC130002815 (ATAC-STARR-seq lymphoblastoid active region 29156; plus strand). Cytogenetic location: 9q34.12.
Variant type: single nucleotide variant.
Coding change: c.65C>G on transcript NM_014285.7 (MANE Select); coding-DNA position 65, C replaced by G.
Protein change: p.Thr22Ser; replaces threonine 22 with serine.
Molecular consequence: missense variant. On other transcripts: non-coding transcript variant (1).
Genome position (GRCh38, 1-based): chr9:130,693,856, C>G. VCF-style: chr9-130693856-C-G. GRCh37 (hg19) VCF-style: chr9-133569243-C-G.
Other names: c.65C>G, p.Thr22Ser (NM_001282708.1, NM_001282709.1); short protein forms T22S.
Identifiers: ClinVar variation 1923773 (VCV001923773.5), dbSNP rs773669995, ClinGen allele CA5284728.

ClinVar aggregate classification (germline): Uncertain significance (1 of 4 stars; one submission).

Allele frequency attached by ClinVar (database versions not stated): gnomAD exomes below 0.00001; ExAC 0.00001.
gnomAD v4.1: 4 of 1,612,954 alleles (0.00025%); highest among the groups gnomAD compares: Non-Finnish European, 0.00025%; no homozygotes.

Submission:

Labcorp Genetics (formerly Invitae), Labcorp
Classification: Uncertain significance. Last evaluated: 2022-04-02. Review status: criteria provided, single submitter. Criteria: Invitae Variant Classification Sherloc (09022015). Collection method: clinical testing. Allele origin: germline.
Comment: In summary, the available evidence is currently insufficient to determine the role of this variant in disease. Therefore, it has been classified as a Variant of Uncertain Significance. Algorithms developed to predict the effect of missense changes on protein structure and function output the following: SIFT: "Tolerated"; PolyPhen-2: "Benign"; Align-GVGD: "Class C0". The serine amino acid residue is found in multiple mammalian species, which suggests that this missense change does not adversely affect protein function. This variant has not been reported in the literature in individuals affected with EXOSC2-related conditions. This variant is present in population databases (rs773669995, gnomAD 0.0009%). This sequence change replaces threonine, which is neutral and polar, with serine, which is neutral and polar, at codon 22 of the EXOSC2 protein (p.Thr22Ser).